The following is an entry in ClinVar:

NM_206933.4(USH2A):c.9638del (p.Pro3213fs)

Gene: USH2A (usherin; minus strand). Cytogenetic location: 1q41.
Variant type: Deletion.
Coding change: c.9638del on transcript NM_206933.4 (MANE Select); coding-DNA position 9638, one base deleted (C; older notation c.9638delC).
Protein change: p.Pro3213fs; shifts the reading frame from proline 3213.
Molecular consequence: frameshift variant.
Genome position (GRCh38, 1-based): chr1:215,813,837, G deleted on the plus strand (C on the coding strand, the reverse complement: USH2A is on the minus strand); the first of 3 consecutive G bases (chr1:215,813,837-215,813,839); deleting any one gives the same sequence. VCF-style (leftmost placement, unchanged base first): chr1-215813836-CG-C. GRCh37 (hg19) VCF-style: chr1-215987178-CG-C.
Other names: short protein forms P3213fs.
Identifiers: ClinVar variation 954563 (VCV000954563.9), dbSNP rs1662774674, ClinGen allele CA1139656572.

ClinVar aggregate classification (germline): Pathogenic/Likely pathogenic. Review status: criteria provided, multiple submitters, no conflicts (2 of 4 stars). 3 submissions from 3 submitters: Pathogenic (1); Likely pathogenic (2). Last evaluated 2026-08-11.

Conditions:
Usher syndrome type 2A. Also called: RETINAL DISEASE IN USHER SYNDROME TYPE IIA, MODIFIER OF; USHER SYNDROME, TYPE IIA. Identifiers: Orphanet 231178, Orphanet 886, MedGen C1848634, MONDO:0010169, OMIM 276901.
Retinitis pigmentosa 39 (RP39). Identifiers: Orphanet 791, MedGen C3151138, MONDO:0013436, OMIM 613809.

Submissions (3):

Otogenetics
Classification: Likely pathogenic for Usher syndrome type 2A; Retinitis pigmentosa 39. Last evaluated: 2026-08-11. Review status: criteria provided, single submitter. Criteria: ACMG Guidelines, 2015. Collection method: clinical testing. Allele origin: germline.
Comment: PVS1: Frameshift indel introduces premature stop codon in gene with loss of function as mechanism of disease, predicted to undergo NMD; PM2: Variant not observed in gnomAD (<0.251% threshold)

Baylor Genetics
Classification: Likely pathogenic for Retinitis pigmentosa 39. Last evaluated: 2023-06-24. Review status: criteria provided, single submitter. Criteria: ACMG Guidelines, 2015. Collection method: clinical testing. Allele origin: unknown.

Labcorp Genetics (formerly Invitae), Labcorp
Classification: Pathogenic. Last evaluated: 2019-09-23. Review status: criteria provided, single submitter. Criteria: Invitae Variant Classification Sherloc (09022015). Collection method: clinical testing. Allele origin: germline.
Comment: This sequence change creates a premature translational stop signal (p.Pro3213Argfs*4) in the USH2A gene. It is expected to result in an absent or disrupted protein product. For these reasons, this variant has been classified as Pathogenic. Loss-of-function variants in USH2A are known to be pathogenic (PMID: 10729113, 10909849, 20507924, 25649381). This variant has not been reported in the literature in individuals with USH2A-related conditions. This variant is not present in population databases (ExAC no frequency).

Literature cited by the submitters: PubMed 10729113 (cited by Labcorp Genetics (formerly Invitae), Labcorp); PubMed 10909849 (cited by Labcorp Genetics (formerly Invitae), Labcorp); PubMed 20507924 (cited by Labcorp Genetics (formerly Invitae), Labcorp); PubMed 25649381 (cited by Labcorp Genetics (formerly Invitae), Labcorp).